The following is an entry in ClinVar:

NM_014516.4(CNOT3):c.1126G>A (p.Ala376Thr)

Gene: CNOT3 (CCR4-NOT transcription complex subunit 3; plus strand). Cytogenetic location: 19q13.42.
Variant type: single nucleotide variant.
Coding change: c.1126G>A on transcript NM_014516.4 (MANE Select); coding-DNA position 1126, G replaced by A.
Protein change: p.Ala376Thr; replaces alanine 376 with threonine.
Molecular consequence: missense variant.
Genome position (GRCh38, 1-based): chr19:54,148,379, G>A. VCF-style: chr19-54148379-G-A. GRCh37 (hg19) VCF-style: chr19-54652114-G-A.
Other names: short protein forms A376T.
Identifiers: ClinVar variation 3675495 (VCV003675495.3).
Genomic context (GRCh38, chr19:54,148,379, plus strand): 5'-AAGGCCAGTCCAGCTCCCAGCCACAACTCGGGCACCCCTGCTCCCTATGCCCAGGCTGTG[G>A]CCCCACCAGCTCCCAGTGGGCCCAGCACGACCCAGCCCCGGCCCCCCAGCGTCCAGCCTA-3'
Protein context (NP_055331.1, residues 366-386): GTPAPYAQAV[Ala376Thr]PPAPSGPSTT

ClinVar aggregate classification (germline): Uncertain significance. Review status: criteria provided, multiple submitters, no conflicts (2 of 4 stars). 2 submissions from 2 submitters: Uncertain significance (2). Last evaluated 2025-05-14.

gnomAD v4.1: 5 of 1,565,478 alleles (0.00032%); highest among the groups gnomAD compares: Admixed American, 0.0018%; no homozygotes.

Submissions (2):

Women's Health and Genetics/Laboratory Corporation of America, LabCorp
Classification: Uncertain significance. Last evaluated: 2025-05-14. Review status: criteria provided, single submitter. Criteria: LabCorp Variant Classification Summary - May 2015. Collection method: clinical testing. Allele origin: germline.
Comment: Variant summary: CNOT3 c.1126G>A (p.Ala376Thr) results in a non-conservative amino acid change in the encoded protein sequence. Algorithms developed to predict the effect of missense changes on protein structure and function are either unavailable or do not agree on the potential impact of this missense change. The variant allele was found at a frequency of 9.9e-06 in 201382 control chromosomes. The available data on variant occurrences in the general population are insufficient to allow any conclusion about variant significance. To our knowledge, no occurrence of c.1126G>A in individuals affected with Intellectual Developmental Disorder With Speech Delay, Autism, And Dysmorphic Facies and no experimental evidence demonstrating its impact on protein function have been reported. ClinVar contains an entry for this variant (Variation ID: 3675495). Based on the evidence outlined above, the variant was classified as uncertain significance.

Labcorp Genetics (formerly Invitae), Labcorp
Classification: Uncertain significance. Last evaluated: 2025-01-06. Review status: criteria provided, single submitter. Criteria: Invitae Variant Classification Sherloc (09022015). Collection method: clinical testing. Allele origin: germline.
Comment: This sequence change replaces alanine, which is neutral and non-polar, with threonine, which is neutral and polar, at codon 376 of the CNOT3 protein (p.Ala376Thr). This variant is present in population databases (no rsID available, gnomAD 0.003%). This variant has not been reported in the literature in individuals affected with CNOT3-related conditions. An algorithm developed to predict the effect of missense changes on protein structure and function (PolyPhen-2) suggests that this variant is likely to be disruptive. In summary, the available evidence is currently insufficient to determine the role of this variant in disease. Therefore, it has been classified as a Variant of Uncertain Significance.